The following is an entry in ClinVar:

NM_001267550.2(TTN):c.14092+5G>T

Gene: TTN (titin; minus strand). Cytogenetic location: 2q31.2.
Variant type: single nucleotide variant.
Coding change: c.14092+5G>T on transcript NM_001267550.2 (MANE Select); 5 bases into the intron after coding-DNA position 14092, G replaced by T.
Molecular consequence: intron variant.
Genome position (GRCh38, 1-based): chr2:178,739,136, C>A on the plus strand (G>T on the coding strand, the complement: TTN is on the minus strand). VCF-style: chr2-178739136-C-A. GRCh37 (hg19) VCF-style: chr2-179603863-C-A.
Other names: c.13003+5G>T (NM_003319.4); c.13579+5G>T (NM_133437.4); c.13378+5G>T (NM_133432.3); c.10361-776G>T (NM_133378.4); c.13141+5G>T (NM_001256850.1).
Identifiers: ClinVar variation 3777576 (VCV003777576.1).

ClinVar aggregate classification (germline): Uncertain significance (1 of 4 stars; one submission).

Submission:

GeneDx
Classification: Uncertain significance. Last evaluated: 2024-10-08. Review status: criteria provided, single submitter. Criteria: GeneDx Variant Classification Process June 2021. Collection method: clinical testing. Allele origin: germline. Affected: yes.
Comment: Not observed at significant frequency in large population cohorts (gnomAD); Has not been previously published as pathogenic or benign to our knowledge; In silico analysis is inconclusive as to whether the variant alters gene splicing. In the absence of RNA/functional studies, the actual effect of this sequence change is unknown.; Located in a region of TTN within the I-band in which the majority of loss of function variants are significantly associated with autosomal dominant titinopathies (PMID: 27625338, 27869827); This variant is associated with the following publications: (PMID: 27625338, 27869827)